The following is an entry in ClinVar:

NM_002887.4(RARS1):c.1051G>C (p.Asp351His)

Gene: RARS1 (arginyl-tRNA synthetase 1; plus strand). Cytogenetic location: 5q34.
Variant type: single nucleotide variant.
Coding change: c.1051G>C on transcript NM_002887.4 (MANE Select); coding-DNA position 1051, G replaced by C.
Protein change: p.Asp351His; replaces aspartic acid 351 with histidine.
Molecular consequence: missense variant.
Genome position (GRCh38, 1-based): chr5:168,502,099, G>C. VCF-style: chr5-168502099-G-C. GRCh37 (hg19) VCF-style: chr5-167929104-G-C.
Other names: p.Asp351His; short protein forms D351H.
Identifiers: ClinVar variation 4541087 (VCV004541087.1).
Genomic context (GRCh38, chr5:168,502,099, plus strand): 5'-ATAGAGAGAGGGGAATCCTTCTATCAAGATAGGATGAATGATATTGTAAAGGAATTTGAA[G>C]ATAGAGGTAGGCACTCTTCTTTTAACTTTTTATTATGGAAATTTTCAAACATAGGCAAAA-3'
Protein context (NP_002878.2, residues 341-361): RMNDIVKEFE[Asp351His]RGFVQVDDGR

ClinVar aggregate classification (germline): Uncertain significance (1 of 4 stars; one submission).

Submission:

Mayo Clinic Laboratories, Mayo Clinic
Classification: Uncertain significance. Last evaluated: 2024-11-19. Review status: criteria provided, single submitter. Criteria: ACMG Guidelines, 2015. Collection method: clinical testing. Allele origin: germline. Observed: 1 variant allele.
Comment: BP4, PM2_supporting